The following is an entry in ClinVar:

NM_004333.6(BRAF):c.714A>T (p.Val238=)

Gene: BRAF (B-Raf proto-oncogene, serine/threonine kinase; minus strand). Cytogenetic location: 7q34.
Variant type: single nucleotide variant.
Coding change: c.714A>T on transcript NM_004333.6 (MANE Select); coding-DNA position 714, A replaced by T.
Protein change: p.Val238=; no amino-acid change (valine 238 retained).
Molecular consequence: synonymous variant.
Genome position (GRCh38, 1-based): chr7:140,801,558, T>A on the plus strand (A>T on the coding strand, the complement: BRAF is on the minus strand). VCF-style: chr7-140801558-T-A. GRCh37 (hg19) VCF-style: chr7-140501358-T-A.
Other names: c.714A>T, p.Val238= (NM_001354609.2, NM_001374244.1, NM_001374258.1 and 4 more transcripts); c.723A>T, p.Val241= (NM_001378467.1); c.612A>T, p.Val204= (NM_001378470.1); c.558A>T, p.Val186= (NM_001378472.1, NM_001378473.1); c.450A>T, p.Val150= (NM_001378475.1).
Identifiers: ClinVar variation 44828 (VCV000044828.6), dbSNP rs397516902, ClinGen allele CA135137.
Genomic context (GRCh38, chr7:140,801,558, plus strand): 5'-ACCCTGGAAAAGCAGCTTTCGACAAAAGTCACAAAATGCTAAGGTGAAAAACGTTTTTCG[T>A]ACCTGCAAAGTAAAAAATCACAGAGATTTCAAAAACTCACAAGAAAACTTTCTAGAAACT-3'
Protein context (NP_004324.2, residues 228-248): ENVPLTTHNF[Val238=]RKTFFTLAFC

ClinVar aggregate classification (germline): Likely benign. Review status: criteria provided, multiple submitters, no conflicts (2 of 4 stars). 2 submissions from 2 submitters: Likely benign (2). Last evaluated 2023-05-18.

Conditions:
Cardiovascular phenotype. Identifiers: MedGen CN230736.

Allele frequency attached by ClinVar (database versions not stated): gnomAD exomes below 0.00001; TOPMed below 0.00001; gnomAD 0.00001.
gnomAD v4.1: 3 of 1,611,520 alleles (0.00019%); highest among the groups gnomAD compares: Non-Finnish European, 0.00025%; no homozygotes.

Submissions (2):

Ambry Genetics
Classification: Likely benign for Cardiovascular phenotype. Last evaluated: 2023-05-18. Review status: criteria provided, single submitter. Criteria: Ambry Variant Classification Scheme 2023. Collection method: clinical testing. Allele origin: germline.

Laboratory for Molecular Medicine, Mass General Brigham Personalized Medicine
Classification: Likely benign. Last evaluated: 2011-01-10. Review status: criteria provided, single submitter. Criteria: LMM Criteria. Collection method: clinical testing. Allele origin: germline. Observed: 1 variant allele.
Comment: This variant is not expected to have clinical significance because it does not a lter an amino acid residue.